The following is an entry in ClinVar:

NM_000535.7(PMS2):c.666C>G (p.Ser222Arg)

Gene: PMS2 (PMS1 homolog 2, mismatch repair system component; minus strand). Cytogenetic location: 7p22.1.
Variant type: single nucleotide variant.
Coding change: c.666C>G on transcript NM_000535.7 (MANE Select); coding-DNA position 666, C replaced by G.
Protein change: p.Ser222Arg; replaces serine 222 with arginine.
Molecular consequence: missense variant. On other transcripts: 5 prime UTR variant (2), non-coding transcript variant (1), intron variant (1).
Genome position (GRCh38, 1-based): chr7:5,999,147, G>C on the plus strand (C>G on the coding strand, the complement: PMS2 is on the minus strand). VCF-style: chr7-5999147-G-C. GRCh37 (hg19) VCF-style: chr7-6038778-G-C.
Other names: c.261C>G, p.Ser87Arg (NM_001322003.2, NM_001322004.2, NM_001322005.2 and 2 more transcripts); c.666C>G, p.Ser222Arg (NM_001322006.2, NM_001322014.2); c.348C>G, p.Ser116Arg (NM_001322007.2, NM_001322008.2); c.-268C>G (NM_001322011.2, NM_001322012.2); c.357C>G, p.Ser119Arg (NM_001322015.2); c.133-1724C>G (NM_001322013.2); short protein forms S87R, S116R, S119R, S222R.
Identifiers: ClinVar variation 940815 (VCV000940815.12), dbSNP rs1784796294, ClinGen allele CA366743888.

ClinVar aggregate classification (germline): Uncertain significance. Review status: criteria provided, multiple submitters, no conflicts (2 of 4 stars). 2 submissions from 2 submitters: Uncertain significance (2). Last evaluated 2021-01-27.

Conditions:
Hereditary nonpolyposis colorectal neoplasms. Identifiers: MedGen C0009405, MeSH D003123.
Hereditary cancer-predisposing syndrome. Also called: Hereditary neoplastic syndrome; Neoplastic Syndromes, Hereditary; Tumor predisposition; Hereditary Cancer Syndrome. Identifiers: Orphanet 140162, MedGen C0027672, MeSH D009386, MONDO:0015356.

Submissions (2):

Ambry Genetics
Classification: Uncertain significance for Hereditary cancer-predisposing syndrome. Last evaluated: 2021-01-27. Review status: criteria provided, single submitter. Criteria: Ambry Variant Classification Scheme 2023. Collection method: clinical testing. Allele origin: germline.
Comment: The p.S222R variant (also known as c.666C>G), located in coding exon 6 of the PMS2 gene, results from a C to G substitution at nucleotide position 666. The serine at codon 222 is replaced by arginine, an amino acid with dissimilar properties. This amino acid position is not well conserved in available vertebrate species. In addition, the in silico prediction for this alteration is inconclusive. Since supporting evidence is limited at this time, the clinical significance of this alteration remains unclear.

Labcorp Genetics (formerly Invitae), Labcorp
Classification: Uncertain significance for Hereditary nonpolyposis colorectal neoplasms. Last evaluated: 2019-07-23. Review status: criteria provided, single submitter. Criteria: Invitae Variant Classification Sherloc (09022015). Collection method: clinical testing. Allele origin: germline.
Comment: This variant is not present in population databases (ExAC no frequency). In summary, the available evidence is currently insufficient to determine the role of this variant in disease. Therefore, it has been classified as a Variant of Uncertain Significance. Algorithms developed to predict the effect of missense changes on protein structure and function are either unavailable or do not agree on the potential impact of this missense change (SIFT: "Tolerated"; PolyPhen-2: "Possibly Damaging"; Align-GVGD: "Class C0"). This variant has not been reported in the literature in individuals with PMS2-related conditions. This sequence change replaces serine with arginine at codon 222 of the PMS2 protein (p.Ser222Arg). The serine residue is weakly conserved and there is a moderate physicochemical difference between serine and arginine.